The following is an entry in ClinVar:

NM_005431.2(XRCC2):c.40-10C>T

Gene: XRCC2 (X-ray repair cross complementing 2; minus strand). Cytogenetic location: 7q36.1.
Variant type: single nucleotide variant.
Coding change: c.40-10C>T on transcript NM_005431.2 (MANE Select); 10 bases into the intron before coding-DNA position 40, C replaced by T.
Molecular consequence: intron variant.
Genome position (GRCh38, 1-based): chr7:152,660,792, G>A on the plus strand (C>T on the coding strand, the complement: XRCC2 is on the minus strand). VCF-style: chr7-152660792-G-A. GRCh37 (hg19) VCF-style: chr7-152357877-G-A.
Identifiers: ClinVar variation 224934 (VCV000224934.28), dbSNP rs3218472, ClinGen allele CA356463.

ClinVar aggregate classification (germline): Benign/Likely benign. Review status: criteria provided, multiple submitters, no conflicts (2 of 4 stars). 8 submissions from 8 submitters: Benign (7); Likely benign (1). Last evaluated 2026-02-02.

Conditions:
Fanconi anemia complementation group U. Identifiers: MedGen C4310651, MONDO:0014987, OMIM 617247.

Allele frequency attached by ClinVar (database versions not stated): gnomAD exomes 0.00422 and 0.00700; ExAC 0.00692; ESP Exome Variant Server 0.00784; 1000 Genomes Project 0.00899; 1000 Genomes Project 30x 0.00999; gnomAD 0.01003 and 0.01055; TOPMed 0.01103.
gnomAD v4.1: 7,643 of 1,592,286 alleles (0.48%); highest among the groups gnomAD compares: African/African-American, 2.3%; 44 homozygotes.

Submissions (8):

Labcorp Genetics (formerly Invitae), Labcorp
Classification: Benign. Last evaluated: 2026-02-02. Review status: criteria provided, single submitter. Criteria: Invitae Variant Classification Sherloc (09022015). Collection method: clinical testing. Allele origin: germline.

Dasa
Classification: Benign. Last evaluated: 2026-01-26. Review status: criteria provided, single submitter. Criteria: DASA Assertion Criteria. Collection method: clinical testing. Allele origin: germline.
Comment: NM_005431.2(XRCC2):c.40-10C>T is a splice-region variant. Population frequency is inconsistent with a disease-causing role for this variant. Therefore, based on the currently available evidence, this variant is classified as benign.

Quest Diagnostics Nichols Institute San Juan Capistrano
Classification: Benign. Last evaluated: 2025-06-02. Review status: criteria provided, single submitter. Criteria: Quest Diagnostics criteria. Collection method: clinical testing. Allele origin: unknown.

Blueprint Genetics
Classification: Likely benign. Last evaluated: 2024-11-25. Review status: criteria provided, single submitter. Criteria: ACMG Guidelines, 2015. Collection method: clinical testing. Allele origin: germline.

KCCC/NGS Laboratory, Kuwait Cancer Control Center
Classification: Benign for Fanconi anemia complementation group U. Last evaluated: 2023-07-07. Review status: criteria provided, single submitter. Criteria: ACMG Guidelines, 2015. Collection method: clinical testing. Allele origin: germline. Affected: yes.

Genetic Services Laboratory, University of Chicago
Classification: Benign. Last evaluated: 2021-02-18. Review status: criteria provided, single submitter. Criteria: ACMG Guidelines, 2015. Collection method: clinical testing. Allele origin: germline. Affected: no.

GeneDx
Classification: Benign. Last evaluated: 2015-03-03. Review status: criteria provided, single submitter. Criteria: GeneDx Variant Classification Process June 2021. Collection method: clinical testing. Allele origin: germline. Affected: yes.

Breakthrough Genomics
Classification: Benign. Review status: criteria provided, single submitter. Criteria: ACMG Guidelines, 2015. Collection method: not provided. Allele origin: germline. Inheritance: Autosomal recessive inheritance. Affected: yes.

Literature cited by the submitters: PubMed 19690184 (cited by Quest Diagnostics Nichols Institute San Juan Capistrano); PubMed 25918678 (cited by Quest Diagnostics Nichols Institute San Juan Capistrano).